The following is an entry in ClinVar:

NM_198904.4(GABRG2):c.259+20G>A

Gene: GABRG2 (gamma-aminobutyric acid type A receptor subunit gamma2; plus strand). Cytogenetic location: 5q34.
Variant type: single nucleotide variant.
Coding change: c.259+20G>A on transcript NM_198904.4 (MANE Select); 20 bases into the intron after coding-DNA position 259, G replaced by A.
Molecular consequence: intron variant.
Genome position (GRCh38, 1-based): chr5:162,093,999, G>A. VCF-style: chr5-162093999-G-A. GRCh37 (hg19) VCF-style: chr5-161521005-G-A.
Other names: c.-27+20G>A (NM_001375349.1); c.259+20G>A (NM_001375343.1, NM_001375344.1, NM_001375340.1 and 4 more transcripts); c.-100+20G>A (NM_001375350.1, NM_001375348.1); c.250+20G>A (NM_001375339.1); c.193+20G>A (NM_001375346.1, NM_001375345.1); c.172+20G>A (NM_001375347.1).
Identifiers: ClinVar variation 137418 (VCV000137418.10), dbSNP rs200011382, ClinGen allele CA290987.

ClinVar aggregate classification (germline): Benign/Likely benign. Review status: criteria provided, multiple submitters, no conflicts (2 of 4 stars). 3 submissions from 3 submitters: Benign (2); Likely benign (1). Last evaluated 2026-01-12.

Conditions:
Febrile seizures, familial, 8 (FEB8). Also called: CONVULSIONS, FAMILIAL FEBRILE, 8. Identifiers: Orphanet 36387, MedGen C1969810, MONDO:0011891, OMIM 607681.
EPILEPSY, CHILDHOOD ABSENCE, SUSCEPTIBILITY TO, 2 (ECA2). Identifiers: Orphanet 64280, MedGen C1843244, OMIM 607681.

Allele frequency attached by ClinVar (database versions not stated): gnomAD exomes 0.00036 and 0.00052; TOPMed 0.00037; ExAC 0.00049; ESP Exome Variant Server 0.00054; gnomAD 0.00059 and 0.00063.
gnomAD v4.1: 608 of 1,612,292 alleles (0.038%); highest among the groups gnomAD compares: Non-Finnish European, 0.039%; no homozygotes.

Submissions (3):

Labcorp Genetics (formerly Invitae), Labcorp
Classification: Benign for Febrile seizures, familial, 8; EPILEPSY, CHILDHOOD ABSENCE, SUSCEPTIBILITY TO, 2. Last evaluated: 2026-01-12. Review status: criteria provided, single submitter. Criteria: Invitae Variant Classification Sherloc (09022015). Collection method: clinical testing. Allele origin: germline.

Blueprint Genetics
Classification: Likely benign. Last evaluated: 2024-11-04. Review status: criteria provided, single submitter. Criteria: ACMG Guidelines, 2015. Collection method: clinical testing. Allele origin: germline.

GeneDx
Classification: Benign. Last evaluated: 2013-09-18. Review status: criteria provided, single submitter. Criteria: GeneDx Variant Classification (06012015). Collection method: clinical testing. Allele origin: germline. Affected: yes.
Comment: This variant is considered likely benign or benign based on one or more of the following criteria: it is a conservative change, it occurs at a poorly conserved position in the protein, it is predicted to be benign by multiple in silico algorithms, and/or has population frequency not consistent with disease.